The following is an entry in ClinVar:

ClinVar aggregate classification (germline): Likely pathogenic (1 of 4 stars; one submission).

Conditions:
GMPPA-related disorder. Also called: GMPPA-related condition.

Submission:

PreventionGenetics, part of Exact Sciences
Classification: Likely pathogenic for GMPPA-related condition. Last evaluated: 2022-11-28. Review status: criteria provided, single submitter. Criteria: ACMG Guidelines, 2015. Collection method: clinical testing. Allele origin: germline.
Comment: The GMPPA c.595C>T variant is predicted to result in premature protein termination (p.Gln199*). To our knowledge, this variant has not been reported in the literature. This variant is reported in 0.00088% of alleles in individuals of European (Non-Finnish) descent in gnomAD. Nonsense variants in GMPPA are expected to be pathogenic. This variant is interpreted as likely pathogenic.

NM_013335.4(GMPPA):c.595C>T (p.Gln199Ter)

Genes: ASIC4-AS1 (ASIC4 antisense RNA 1; minus strand), GMPPA (GDP-mannose pyrophosphorylase A; plus strand). Cytogenetic location: 2q35.
Variant type: single nucleotide variant.
Coding change: c.595C>T on transcript NM_013335.4 (MANE Select); coding-DNA position 595, C replaced by T.
Protein change: p.Gln199Ter; replaces glutamine 199 with a stop codon.
Molecular consequence: nonsense.
Genome position (GRCh38, 1-based): chr2:219,504,188, C>T. VCF-style: chr2-219504188-C-T. GRCh37 (hg19) VCF-style: chr2-220368910-C-T.
Other names: c.595C>T, p.Gln199Ter (NM_001374294.1, NM_001374295.1, NM_205847.3); short protein forms Q199*.
Identifiers: ClinVar variation 2635320 (VCV002635320.1), dbSNP rs747476158, ClinGen allele CA2128227.
Genomic context (GRCh38, chr2:219,504,188, plus strand): 5'-ATCAACTGCGGCATCTACCTCTTTTCTCCTGAAGCCTTGAAGCCTCTTCGGGATGTCTTC[C>T]AGCGTAATCAGCAGGATGGGCAATTGTGAGGCAGGCCCCATAGCCCTGTGACCCCAAGTA-3'